The following is an entry in ClinVar:

ClinVar aggregate classification (germline): Pathogenic (1 of 4 stars; one submission).

Conditions:
NR0B1-related disorder.

Submission:

PreventionGenetics, part of Exact Sciences
Classification: Pathogenic for NR0B1-related condition. Last evaluated: 2023-02-09. Review status: criteria provided, single submitter. Criteria: ACMG Guidelines, 2015. Collection method: clinical testing. Allele origin: germline.
Comment: The NR0B1 c.702delC variant is predicted to result in a frameshift and premature protein termination (p.Trp235Glyfs*29). This variant has been reported in an individual with congenital adrenal hypoplasia (Reutens et al 1999. PubMed ID: 10022408). This variant has not been reported in a large population database, indicating this variant is rare. Frameshift variants in NR0B1 are expected to be pathogenic. This variant is interpreted as pathogenic.

NM_000475.5(NR0B1):c.702del (p.Trp235fs)

Gene: NR0B1 (nuclear receptor subfamily 0 group B member 1; minus strand). Cytogenetic location: Xp21.2.
Variant type: Deletion.
Coding change: c.702del on transcript NM_000475.5 (MANE Select); coding-DNA position 702, one base deleted (C; older notation c.702delC).
Protein change: p.Trp235fs; shifts the reading frame from tryptophan 235.
Molecular consequence: frameshift variant.
Genome position (GRCh38, 1-based): chrX:30,308,662, G deleted on the plus strand (C on the coding strand, the reverse complement: NR0B1 is on the minus strand); the first of 5 consecutive G bases (chrX:30,308,662-30,308,666); deleting any one gives the same sequence. VCF-style (leftmost placement, unchanged base first): chrX-30308661-AG-A. GRCh37 (hg19) VCF-style: chrX-30326778-AG-A.
Other names: short protein forms W235fs.
Identifiers: ClinVar variation 2630336 (VCV002630336.1), dbSNP rs1926575027, ClinGen allele CA645603422.
Genomic context (GRCh38, chrX:30,308,661, plus strand): 5'-AGACCACCTGTGGACTCTTGAGCGCCACCGGCCGCAGCGCACCAGAGGAGGTGTCCCACC[AG>A]GGGGCCCTCGGCCGCTCCTCCGGAGCCGCCTGCGCTTGATTTGTGCTCGTGGGCACGCAG-3'